The following is an entry in ClinVar:

ClinVar aggregate classification (germline): Benign (1 of 4 stars; one submission).

Allele frequency attached by ClinVar (database versions not stated): 1000 Genomes Project 30x 0.01468; 1000 Genomes Project 0.01498; TOPMed 0.03339; gnomAD 0.03957 and 0.04128.
gnomAD v4.1: 5,984 of 152,176 alleles (3.9%); highest among the groups gnomAD compares: Non-Finnish European, 6.2%; 192 homozygotes.

Submission:

GeneDx
Classification: Benign. Last evaluated: 2018-06-16. Review status: criteria provided, single submitter. Criteria: GeneDx Variant Classification (06012015). Collection method: clinical testing. Allele origin: germline. Affected: yes.
Comment: This variant is considered likely benign or benign based on one or more of the following criteria: it is a conservative change, it occurs at a poorly conserved position in the protein, it is predicted to be benign by multiple in silico algorithms, and/or has population frequency not consistent with disease.

NM_001080449.3(DNA2):c.74+244C>T

Gene: DNA2 (DNA replication helicase/nuclease 2; minus strand). Cytogenetic location: 10q21.3.
Variant type: single nucleotide variant.
Coding change: c.74+244C>T on transcript NM_001080449.3 (MANE Select); 244 bases into the intron after coding-DNA position 74, C replaced by T.
Molecular consequence: intron variant.
Genome position (GRCh38, 1-based): chr10:68,471,547, G>A on the plus strand (C>T on the coding strand, the complement: DNA2 is on the minus strand). VCF-style: chr10-68471547-G-A. GRCh37 (hg19) VCF-style: chr10-70231304-G-A.
Identifiers: ClinVar variation 673362 (VCV000673362.1), dbSNP rs72797524, ClinGen allele CA13245839.